The following is an entry in ClinVar:

NM_001613.4(ACTA2):c.632T>A (p.Val211Asp)

Genes: ACTA2 (actin alpha 2, smooth muscle; minus strand), ACTA2-AS1 (ACTA2 antisense RNA 1; plus strand). Cytogenetic location: 10q23.31.
Variant type: single nucleotide variant.
Coding change: c.632T>A on transcript NM_001613.4 (MANE Select); coding-DNA position 632, T replaced by A.
Protein change: p.Val211Asp; replaces valine 211 with aspartic acid.
Molecular consequence: missense variant. On other transcripts: non-coding transcript variant (1).
Genome position (GRCh38, 1-based): chr10:88,939,683, A>T on the plus strand (T>A on the coding strand, the complement: ACTA2 is on the minus strand). VCF-style: chr10-88939683-A-T. GRCh37 (hg19) VCF-style: chr10-90699440-A-T.
Other names: c.632T>A, p.Val211Asp (NM_001141945.3, NM_001320855.2, NM_001406462.1 and 2 more transcripts); c.521T>A, p.Val174Asp (NM_001406466.1); c.503T>A, p.Val168Asp (NM_001406467.1, NM_001406468.1, NM_001406469.1); short protein forms V211D, V174D, V168D.
Identifiers: ClinVar variation 1390864 (VCV001390864.8), dbSNP rs2133250741, ClinGen allele CA377511522.

ClinVar aggregate classification (germline): Uncertain significance. Review status: criteria provided, multiple submitters, no conflicts (2 of 4 stars). 2 submissions from 2 submitters: Uncertain significance (2). Last evaluated 2025-06-03.

Conditions:
Familial thoracic aortic aneurysm and aortic dissection (TAAD). Also called: Thoracic aortic aneurysms and dissections. Identifiers: Orphanet 91387, MedGen C4707243, MONDO:0019625.
Aortic aneurysm, familial thoracic 6 (AAT6). Also called: FAMILIAL THORACIC AORTIC ANEURYSM WITH LIVEDO RETICULARIS AND IRIS FLOCCULI. Identifiers: MedGen C2673186, MONDO:0012730, OMIM 611788.

Submissions (2):

Color Diagnostics, LLC DBA Color Health
Classification: Uncertain significance for Familial thoracic aortic aneurysm and aortic dissection. Last evaluated: 2025-06-03. Review status: criteria provided, single submitter. Criteria: ACMG Guidelines, 2015. Collection method: clinical testing. Allele origin: germline.
Comment: This missense variant replaces valine with aspartic acid at codon 211 of the ACTA2 protein. Computational prediction suggests that this variant may have deleterious impact on protein structure and function. To our knowledge, functional studies have not been reported for this variant. This variant has not been reported in individuals affected with ACTA2-related disorders in the literature. This variant has not been identified in the general population by the Genome Aggregation Database (gnomAD). The available evidence is insufficient to determine the role of this variant in disease conclusively. Therefore, this variant is classified as a Variant of Uncertain Significance.

Labcorp Genetics (formerly Invitae), Labcorp
Classification: Uncertain significance for Aortic aneurysm, familial thoracic 6. Last evaluated: 2022-09-29. Review status: criteria provided, single submitter. Criteria: Invitae Variant Classification Sherloc (09022015). Collection method: clinical testing. Allele origin: germline.
Comment: In summary, the available evidence is currently insufficient to determine the role of this variant in disease. Therefore, it has been classified as a Variant of Uncertain Significance. Advanced modeling of protein sequence and biophysical properties (such as structural, functional, and spatial information, amino acid conservation, physicochemical variation, residue mobility, and thermodynamic stability) performed at Invitae indicates that this missense variant is expected to disrupt ACTA2 protein function. ClinVar contains an entry for this variant (Variation ID: 1390864). This missense change has been observed in individual(s) with clinical features of thoracic aortic aneurysm and dissection (Invitae). This variant is not present in population databases (gnomAD no frequency). This sequence change replaces valine, which is neutral and non-polar, with aspartic acid, which is acidic and polar, at codon 211 of the ACTA2 protein (p.Val211Asp).